The following is an entry in ClinVar:

NM_006767.4(LZTR1):c.2376C>A (p.Cys792Ter)

Gene: LZTR1 (leucine zipper like post translational regulator 1; plus strand). Cytogenetic location: 22q11.21.
Variant type: single nucleotide variant.
Coding change: c.2376C>A on transcript NM_006767.4 (MANE Select); coding-DNA position 2376, C replaced by A.
Protein change: p.Cys792Ter; replaces cysteine 792 with a stop codon.
Molecular consequence: nonsense.
Genome position (GRCh38, 1-based): chr22:20,996,936, C>A. VCF-style: chr22-20996936-C-A. GRCh37 (hg19) VCF-style: chr22-21351225-C-A.
Other names: short protein forms C792*.
Identifiers: ClinVar variation 3653335 (VCV003653335.3).

ClinVar aggregate classification (germline): Conflicting classifications of pathogenicity. Review status: criteria provided, conflicting classifications (1 of 4 stars). 2 submissions from 2 submitters: Pathogenic (1); Uncertain significance (1). Last evaluated 2025-09-25.

Conditions:
Pigmentary skin disorders.

Submissions (2):

Genetics Laboratory, Great Ormond Street Hospital NHS Foundation Trust, North Thames Genomic Laboratory Hub
Classification: Uncertain significance for Pigmentary skin disorders. Last evaluated: 2025-09-25. Review status: criteria provided, single submitter. Criteria: ACGS Best Practice Guidelines for Variant Classification in Rare Disease 2024 v1.2. Collection method: clinical testing. Allele origin: germline. Affected: yes.
Comment: PM2_moderate, PVS1_moderate

Labcorp Genetics (formerly Invitae), Labcorp
Classification: Pathogenic. Last evaluated: 2024-05-14. Review status: criteria provided, single submitter. Criteria: Invitae Variant Classification Sherloc (09022015). Collection method: clinical testing. Allele origin: germline.
Comment: This sequence change creates a premature translational stop signal (p.Cys792*) in the LZTR1 gene. While this is not anticipated to result in nonsense mediated decay, it is expected to disrupt the last 49 amino acid(s) of the LZTR1 protein. This variant is not present in population databases (gnomAD no frequency). This variant has not been reported in the literature in individuals affected with LZTR1-related conditions. This variant disrupts a region of the LZTR1 protein in which other variant(s) (p.Leu806Trp) have been determined to be pathogenic (Invitae). This suggests that this is a clinically significant region of the protein, and that variants that disrupt it are likely to be disease-causing. For these reasons, this variant has been classified as Pathogenic.